The following is an entry in ClinVar:

NM_033118.4(MYLK2):c.1112T>C (p.Ile371Thr)

Gene: MYLK2 (myosin light chain kinase 2; plus strand). Cytogenetic location: 20q11.21.
Variant type: single nucleotide variant.
Coding change: c.1112T>C on transcript NM_033118.4 (MANE Select); coding-DNA position 1112, T replaced by C.
Protein change: p.Ile371Thr; replaces isoleucine 371 with threonine.
Molecular consequence: missense variant.
Genome position (GRCh38, 1-based): chr20:31,826,826, T>C. VCF-style: chr20-31826826-T-C. GRCh37 (hg19) VCF-style: chr20-30414629-T-C.
Other names: short protein forms I371T.
Identifiers: ClinVar variation 180083 (VCV000180083.10), dbSNP rs727505336, ClinGen allele CA185774.

ClinVar aggregate classification (germline): Uncertain significance. Review status: criteria provided, multiple submitters, no conflicts (2 of 4 stars). 3 submissions from 3 submitters: Uncertain significance (3). Last evaluated 2025-07-09.

Conditions:
Hypertrophic cardiomyopathy 1 (CMH1). Also called: Familial hypertrophic cardiomyopathy 1; MYH7-Related Familial Hypertrophic Cardiomyopathy. Identifiers: MedGen C3495498, MONDO:0008647, OMIM 192600.

Allele frequency attached by ClinVar (database versions not stated): gnomAD 0.00001; gnomAD exomes 0.00001 and 0.00005; TOPMed 0.00001; ExAC 0.00002.

Submissions (3):

Labcorp Genetics (formerly Invitae), Labcorp
Classification: Uncertain significance for Hypertrophic cardiomyopathy 1. Last evaluated: 2025-07-09. Review status: criteria provided, single submitter. Criteria: Invitae Variant Classification Sherloc (09022015). Collection method: clinical testing. Allele origin: germline.
Comment: This sequence change replaces isoleucine, which is neutral and non-polar, with threonine, which is neutral and polar, at codon 371 of the MYLK2 protein (p.Ile371Thr). This variant is present in population databases (rs727505336, gnomAD 0.06%), and has an allele count higher than expected for a pathogenic variant. This variant has not been reported in the literature in individuals affected with MYLK2-related conditions. ClinVar contains an entry for this variant (Variation ID: 180083). Invitae Evidence Modeling of protein sequence and biophysical properties (such as structural, functional, and spatial information, amino acid conservation, physicochemical variation, residue mobility, and thermodynamic stability) indicates that this missense variant is expected to disrupt MYLK2 protein function with a positive predictive value of 80%. In summary, the available evidence is currently insufficient to determine the role of this variant in disease. Therefore, it has been classified as a Variant of Uncertain Significance.

Ambry Genetics
Classification: Uncertain significance. Last evaluated: 2024-07-06. Review status: criteria provided, single submitter. Criteria: Ambry Variant Classification Scheme 2023. Collection method: clinical testing. Allele origin: germline.
Comment: The p.I371T variant (also known as c.1112T>C), located in coding exon 7 of the MYLK2 gene, results from a T to C substitution at nucleotide position 1112. The isoleucine at codon 371 is replaced by threonine, an amino acid with similar properties. This amino acid position is conserved. In addition, the in silico prediction for this alteration is inconclusive. Based on the available evidence, the clinical significance of this variant remains unclear.

Laboratory for Molecular Medicine, Mass General Brigham Personalized Medicine
Classification: Uncertain significance. Last evaluated: 2014-11-06. Review status: criteria provided, single submitter. Criteria: LMM Criteria. Collection method: clinical testing. Allele origin: germline. Observed: 1 variant allele.
Comment: The p.Ile371Thr variant MYLK2 has not been previously reported in individuals wi th cardiomyopathy, but has been identified in 2/8766 East Asian chromosomes by t he Exome Aggregation Consortium (ExAC). Computat ional prediction tools and conservation analysis do not provide strong support f or or against an impact to the protein. In summary, the clinical significance of the p.Ile371Thr variant is uncertain.